The following is an entry in ClinVar:

ClinVar aggregate classification (germline): Benign. Review status: criteria provided, single submitter (1 of 4 stars). 2 submissions from 2 submitters: Benign (1). 1 of the submissions does not count toward it. Last evaluated 2025-10-28.

Conditions:
CASK-related disorder. Also called: CASK-related disorders; CASK-related condition.
Intellectual disability, CASK-related, X-linked. Identifiers: MedGen CN043158.

Allele frequency attached by ClinVar (database versions not stated): gnomAD 0.00003 and 0.00005; gnomAD exomes 0.00004; ExAC 0.00007.
gnomAD v4.1: 49 of 1,158,092 alleles (0.0042%); highest among the groups gnomAD compares: Middle Eastern, 0.024%; no homozygotes.

Submissions (2):

Labcorp Genetics (formerly Invitae), Labcorp
Classification: Benign for Intellectual disability, CASK-related, X-linked. Last evaluated: 2025-10-28. Review status: criteria provided, single submitter. Criteria: Invitae Variant Classification Sherloc (09022015). Collection method: clinical testing. Allele origin: germline.

PreventionGenetics, part of Exact Sciences
Classification: Likely benign for CASK-related condition. Last evaluated: 2024-01-26. Review status: no assertion criteria provided. Collection method: clinical testing. Allele origin: germline. Not counted in ClinVar's aggregate classification.
Comment: This variant is classified as likely benign based on ACMG/AMP sequence variant interpretation guidelines (Richards et al. 2015 PMID: 25741868, with internal and published modifications).

NM_001367721.1(CASK):c.1668+10T>C

Gene: CASK (calcium/calmodulin dependent serine protein kinase; minus strand). Cytogenetic location: Xp11.4.
Variant type: single nucleotide variant.
Coding change: c.1668+10T>C on transcript NM_001367721.1 (MANE Select); 10 bases into the intron after coding-DNA position 1668, T replaced by C.
Molecular consequence: intron variant.
Genome position (GRCh38, 1-based): chrX:41,561,549, A>G on the plus strand (T>C on the coding strand, the complement: CASK is on the minus strand). VCF-style: chrX-41561549-A-G. GRCh37 (hg19) VCF-style: chrX-41420802-A-G.
Other names: c.1650+10T>C (NM_001126055.3, NM_001410745.1); c.1668+10T>C (NM_001126054.3, NM_003688.4, NM_003688.3).
Identifiers: ClinVar variation 1637397 (VCV001637397.10), dbSNP rs751395675, ClinGen allele CA10390164.